The following is an entry in ClinVar:

ClinVar aggregate classification (germline): Uncertain significance (1 of 4 stars; one submission).

Conditions:
Hereditary cancer-predisposing syndrome. Also called: Hereditary Cancer Syndrome; Hereditary neoplastic syndrome; Neoplastic Syndromes, Hereditary; Tumor predisposition. Identifiers: Orphanet 140162, MedGen C0027672, MeSH D009386, MONDO:0015356.

Submission:

Ambry Genetics
Classification: Uncertain significance for Hereditary cancer-predisposing syndrome. Last evaluated: 2022-06-20. Review status: criteria provided, single submitter. Criteria: Ambry Variant Classification Scheme 2023. Collection method: clinical testing. Allele origin: germline.
Comment: The p.I208V variant (also known as c.622A>G), located in coding exon 1 of the ALK gene, results from an A to G substitution at nucleotide position 622. The isoleucine at codon 208 is replaced by valine, an amino acid with highly similar properties. This amino acid position is conserved. In addition, the in silico prediction for this alteration is inconclusive. Since supporting evidence is limited at this time, the clinical significance of this alteration remains unclear.

NM_004304.5(ALK):c.622A>G (p.Ile208Val)

Gene: ALK (ALK receptor tyrosine kinase; minus strand). Cytogenetic location: 2p23.1.
Variant type: single nucleotide variant.
Coding change: c.622A>G on transcript NM_004304.5 (MANE Select); coding-DNA position 622, A replaced by G.
Protein change: p.Ile208Val; replaces isoleucine 208 with valine.
Molecular consequence: missense variant.
Genome position (GRCh38, 1-based): chr2:29,920,038, T>C on the plus strand (A>G on the coding strand, the complement: ALK is on the minus strand). VCF-style: chr2-29920038-T-C. GRCh37 (hg19) VCF-style: chr2-30142904-T-C.
Other names: short protein forms I208V.
Identifiers: ClinVar variation 1752321 (VCV001752321.2), dbSNP rs2148442855, ClinGen allele CA346589670.